The following is an entry in ClinVar:

ClinVar aggregate classification (germline): Likely benign. Review status: criteria provided, multiple submitters, no conflicts (2 of 4 stars). 2 submissions from 2 submitters: Likely benign (2). Last evaluated 2025-07-15.

Conditions:
PRPF3-related disorder. Also called: PRPF3-related condition.

gnomAD v4.1: 4 of 1,614,096 alleles (0.00025%); highest among the groups gnomAD compares: Non-Finnish European, 0.00034%; no homozygotes.

Submissions (2):

PreventionGenetics, part of Exact Sciences
Classification: Likely benign for PRPF3-related condition. Last evaluated: 2025-07-15. Review status: criteria provided, single submitter. Criteria: ACMG Guidelines, 2015. Collection method: clinical testing. Allele origin: germline.
Comment: This variant is classified as likely benign based on ACMG/AMP sequence variant interpretation guidelines (Richards et al. 2015 PMID: 25741868, with internal and published modifications).

Blueprint Genetics
Classification: Likely benign. Last evaluated: 2021-11-24. Review status: criteria provided, single submitter. Criteria: ACMG Guidelines, 2015. Collection method: clinical testing. Allele origin: germline.

NM_004698.4(PRPF3):c.771C>T (p.Ile257=)

Gene: PRPF3 (pre-mRNA processing factor 3; plus strand). Cytogenetic location: 1q21.2.
Variant type: single nucleotide variant.
Coding change: c.771C>T on transcript NM_004698.4 (MANE Select); coding-DNA position 771, C replaced by T.
Protein change: p.Ile257=; no amino-acid change (isoleucine 257 retained).
Molecular consequence: synonymous variant. On other transcripts: non-coding transcript variant (4).
Genome position (GRCh38, 1-based): chr1:150,334,977, C>T. VCF-style: chr1-150334977-C-T. GRCh37 (hg19) VCF-style: chr1-150307448-C-T.
Other names: c.366C>T, p.Ile122= (NM_001350529.1); c.771C>T (NM_004698.2).
Identifiers: ClinVar variation 4909543 (VCV004909543.2).